The following is an entry in ClinVar:

NM_183381.3(RNF13):c.511A>T (p.Ile171Phe)

Gene: RNF13 (ring finger protein 13; plus strand). Cytogenetic location: 3q25.1.
Variant type: single nucleotide variant.
Coding change: c.511A>T on transcript NM_183381.3 (MANE Select); coding-DNA position 511, A replaced by T.
Protein change: p.Ile171Phe; replaces isoleucine 171 with phenylalanine.
Molecular consequence: missense variant. On other transcripts: non-coding transcript variant (1).
Genome position (GRCh38, 1-based): chr3:149,911,988, A>T. VCF-style: chr3-149911988-A-T. GRCh37 (hg19) VCF-style: chr3-149629775-A-T.
Other names: c.511A>T, p.Ile171Phe (NM_001378285.1, NM_001378286.1, NM_007282.4); c.154A>T, p.Ile52Phe (NM_001378287.1, NM_001378288.1, NM_001378289.1 and 2 more transcripts); c.118A>T, p.Ile40Phe (NM_001378291.1); short protein forms I52F, I40F, I171F.
Identifiers: ClinVar variation 1916944 (VCV001916944.6), dbSNP rs756485383, ClinGen allele CA2663020.
Genomic context (GRCh38, chr3:149,911,988, plus strand): 5'-GAATTTAACAACTCTTCATTTCTCAATTATTGATTTTTGTTTTCTTCTAGGGGCCACCTT[A>T]TCTTAGTTCCAGAATTTAGTCTTCCTTTGGAATACTACCTAATTCCCTTCCTTATCATAG-3'
Protein context (NP_899237.1, residues 161-181): EFTYEKGGHL[Ile171Phe]LVPEFSLPLE

ClinVar aggregate classification (germline): Uncertain significance. Review status: criteria provided, multiple submitters, no conflicts (2 of 4 stars). 2 submissions from 2 submitters: Uncertain significance (2). Last evaluated 2024-08-29.

Allele frequency attached by ClinVar (database versions not stated): gnomAD exomes below 0.00001; gnomAD 0.00001; TOPMed 0.00002; ExAC 0.00003.
gnomAD v4.1: 6 of 1,562,718 alleles (0.00038%); highest among the groups gnomAD compares: Non-Finnish European, 0.00053%; no homozygotes.

Submissions (2):

Labcorp Genetics (formerly Invitae), Labcorp
Classification: Uncertain significance. Last evaluated: 2024-08-29. Review status: criteria provided, single submitter. Criteria: Invitae Variant Classification Sherloc (09022015). Collection method: clinical testing. Allele origin: germline.
Comment: This sequence change replaces isoleucine, which is neutral and non-polar, with phenylalanine, which is neutral and non-polar, at codon 171 of the RNF13 protein (p.Ile171Phe). This variant is present in population databases (rs756485383, gnomAD 0.004%). This variant has not been reported in the literature in individuals affected with RNF13-related conditions. ClinVar contains an entry for this variant (Variation ID: 1916944). Invitae Evidence Modeling of protein sequence and biophysical properties (such as structural, functional, and spatial information, amino acid conservation, physicochemical variation, residue mobility, and thermodynamic stability) indicates that this missense variant is not expected to disrupt RNF13 protein function with a negative predictive value of 80%. In summary, the available evidence is currently insufficient to determine the role of this variant in disease. Therefore, it has been classified as a Variant of Uncertain Significance.

Ambry Genetics
Classification: Uncertain significance. Last evaluated: 2024-05-30. Review status: criteria provided, single submitter. Criteria: Ambry Variant Classification Scheme 2023. Collection method: clinical testing. Allele origin: germline.